The following is an entry in ClinVar:

NM_170707.4(LMNA):c.1271C>G (p.Thr424Ser)

Gene: LMNA (lamin A/C; plus strand). Cytogenetic location: 1q22.
Variant type: single nucleotide variant.
Coding change: c.1271C>G on transcript NM_170707.4 (MANE Select); coding-DNA position 1271, C replaced by G.
Protein change: p.Thr424Ser; replaces threonine 424 with serine.
Molecular consequence: missense variant.
Genome position (GRCh38, 1-based): chr1:156,136,327, C>G. VCF-style: chr1-156136327-C-G. GRCh37 (hg19) VCF-style: chr1-156106118-C-G.
Other names: c.935C>G, p.Thr312Ser (NM_001257374.3); c.1028C>G, p.Thr343Ser (NM_001282624.2); c.1271C>G, p.Thr424Ser (NM_001282625.2, NM_001282626.2, NM_005572.4 and 1 more transcripts); short protein forms T312S, T343S, T424S.
Identifiers: ClinVar variation 1059903 (VCV001059903.9), dbSNP rs2102890444, ClinGen allele CA342821548.

ClinVar aggregate classification (germline): Uncertain significance (1 of 4 stars; one submission).

Conditions:
Charcot-Marie-Tooth disease type 2. Also called: Charcot-Marie-Tooth type 2. Identifiers: Orphanet 64746, MedGen C0270914, MONDO:0018993.

Allele frequency attached by ClinVar (database versions not stated): gnomAD exomes below 0.00001.
gnomAD v4.1: 2 of 1,612,244 alleles (0.00012%); highest among the groups gnomAD compares: Non-Finnish European, 0.00017%; no homozygotes.

Submission:

Labcorp Genetics (formerly Invitae), Labcorp
Classification: Uncertain significance for Charcot-Marie-Tooth disease type 2. Last evaluated: 2020-01-03. Review status: criteria provided, single submitter. Criteria: Invitae Variant Classification Sherloc (09022015). Collection method: clinical testing. Allele origin: germline.
Comment: Algorithms developed to predict the effect of missense changes on protein structure and function (SIFT, PolyPhen-2, Align-GVGD) all suggest that this variant is likely to be tolerated, but these predictions have not been confirmed by published functional studies and their clinical significance is uncertain. In summary, the available evidence is currently insufficient to determine the role of this variant in disease. Therefore, it has been classified as a Variant of Uncertain Significance. Algorithms developed to predict the effect of sequence changes on RNA splicing suggest that this variant may create or strengthen a splice site, but this prediction has not been confirmed by published transcriptional studies. This variant has not been reported in the literature in individuals with LMNA-related conditions. This variant is not present in population databases (ExAC no frequency). This sequence change replaces threonine with serine at codon 424 of the LMNA protein (p.Thr424Ser). The threonine residue is weakly conserved and there is a small physicochemical difference between threonine and serine.